The following is an entry in ClinVar:

NM_015346.4(ZFYVE26):c.6702_6771del (p.Trp2234fs)

Gene: ZFYVE26 (zinc finger FYVE-type containing 26; minus strand). Cytogenetic location: 14q24.1.
Variant type: Deletion.
Coding change: c.6702_6771del on transcript NM_015346.4 (MANE Select); coding-DNA positions 6702 to 6771, 70 bases deleted.
Protein change: p.Trp2234fs; shifts the reading frame from tryptophan 2234.
Molecular consequence: frameshift variant.
Genome position (GRCh38, 1-based): chr14:67,755,963-67,756,032, 70 bases deleted. GRCh37 (hg19): chr14:68,222,686-68,222,755.
Other names: p.Trp2234Cysfs*5; short protein forms W2234fs.
Identifiers: ClinVar variation 751 (VCV000000751.2), dbSNP rs2140185342, ClinGen allele CA2499222689.

ClinVar aggregate classification (germline): Pathogenic. Review status: criteria provided, single submitter (1 of 4 stars). 2 submissions from 2 submitters: Pathogenic (1). 1 of the submissions does not count toward it. Last evaluated 2026-07-13.

Conditions:
Hereditary spastic paraplegia 15 (SPG15). Also called: SPASTIC PARAPLEGIA 15, AUTOSOMAL RECESSIVE; SPASTIC PARAPLEGIA AND RETINAL DEGENERATION; KJELLIN SYNDROME. Identifiers: Orphanet 100996, MedGen C1849128, MONDO:0010044, OMIM 270700.

Submissions (2):

Department of Molecular Genetics, Istishari Arab Hospital
Classification: Pathogenic for Hereditary spastic paraplegia 15. Last evaluated: 2026-07-13. Review status: criteria provided, single submitter. Criteria: ACMG Guidelines, 2015. Collection method: clinical testing. Allele origin: germline. Inheritance: Autosomal recessive inheritance. Affected: yes.
Comment: The ZFYVE26 variant c.6702_6771del, p.Trp2234Cysfs*5 is a 70-bp deletion in exon 36 (of 42), which results in a frameshift and premature termination. This variant was previously reported in patients with autosomal recessive Spastic paraplegia 15 (PMID:17661097, 18394578). It is classified as pathogenic based on ACMG/AMP/ClinGen SVI guidelines.

OMIM
Classification: Pathogenic for SPASTIC PARAPLEGIA 15, AUTOSOMAL RECESSIVE. Last evaluated: 2008-04-01. Review status: no assertion criteria provided. Collection method: literature only. Allele origin: germline. Not counted in ClinVar's aggregate classification.

Literature cited by the submitters: PubMed 17661097 (cited by Department of Molecular Genetics, Istishari Arab Hospital and OMIM); PubMed 18394578 (cited by Department of Molecular Genetics, Istishari Arab Hospital and OMIM).